The following is an entry in ClinVar:

NM_007129.5(ZIC2):c.1036C>T (p.Arg346Cys)

Gene: ZIC2 (Zic family zinc finger 2; plus strand). Cytogenetic location: 13q32.3.
Variant type: single nucleotide variant.
Coding change: c.1036C>T on transcript NM_007129.5 (MANE Select); coding-DNA position 1036, C replaced by T.
Protein change: p.Arg346Cys; replaces arginine 346 with cysteine.
Molecular consequence: missense variant.
Genome position (GRCh38, 1-based): chr13:99,983,100, C>T. VCF-style: chr13-99983100-C-T. GRCh37 (hg19) VCF-style: chr13-100635354-C-T.
Other names: short protein forms R346C.
Identifiers: ClinVar variation 1993753 (VCV001993753.4), dbSNP rs2501545332, ClinGen allele CA388638652.

ClinVar aggregate classification (germline): Uncertain significance (1 of 4 stars; one submission).

Conditions:
Holoprosencephaly 5 (HPE5). Identifiers: Orphanet 2162, MedGen C1864827, MONDO:0012322, OMIM 609637.

Submission:

Labcorp Genetics (formerly Invitae), Labcorp
Classification: Uncertain significance for Holoprosencephaly 5. Last evaluated: 2021-11-25. Review status: criteria provided, single submitter. Criteria: Invitae Variant Classification Sherloc (09022015). Collection method: clinical testing. Allele origin: germline.
Comment: This variant is not present in population databases (gnomAD no frequency). In summary, the available evidence is currently insufficient to determine the role of this variant in disease. Therefore, it has been classified as a Variant of Uncertain Significance. Algorithms developed to predict the effect of missense changes on protein structure and function (SIFT, PolyPhen-2, Align-GVGD) all suggest that this variant is likely to be disruptive. This variant has not been reported in the literature in individuals affected with ZIC2-related conditions. This sequence change replaces arginine, which is basic and polar, with cysteine, which is neutral and slightly polar, at codon 346 of the ZIC2 protein (p.Arg346Cys).